The following is an entry in ClinVar:

NM_003072.5(SMARCA4):c.4768+8C>G

Gene: SMARCA4 (SWI/SNF related BAF chromatin remodeling complex subunit ATPase 4; plus strand). Cytogenetic location: 19p13.2.
Variant type: single nucleotide variant.
Coding change: c.4768+8C>G on transcript NM_003072.5 (MANE Select); 8 bases into the intron after coding-DNA position 4768, C replaced by G.
Molecular consequence: intron variant.
Genome position (GRCh38, 1-based): chr19:11,059,893, C>G. VCF-style: chr19-11059893-C-G. GRCh37 (hg19) VCF-style: chr19-11170569-C-G.
Other names: c.4768+8C>G (NM_001128844.3); c.4864+8C>G (NM_001128849.3, NM_001387283.1); c.4669+8C>G (NM_001128847.4, NM_001374457.1); c.4765+8C>G (NM_001411150.1); c.4678+8C>G (NM_001128845.2); c.4675+8C>G (NM_001128846.2); c.4666+8C>G (NM_001128848.2).
Identifiers: ClinVar variation 5042127 (VCV005042127.1).

ClinVar aggregate classification (germline): Likely benign (1 of 4 stars; one submission).

Conditions:
Rhabdoid tumor predisposition syndrome 2 (RTPS2). Identifiers: Orphanet 231108, Orphanet 69077, MedGen C2750074, MONDO:0013224, OMIM 613325.

Submission:

Myriad Genetics, Inc.
Classification: Likely benign for Rhabdoid tumor predisposition syndrome 2. Last evaluated: 2026-07-08. Review status: criteria provided, single submitter. Criteria: Myriad Autosomal Dominant, Autosomal Recessive and X-Linked Classification Criteria (2023). Collection method: clinical testing. Allele origin: unknown.
Comment: This variant is considered likely benign. This variant is intronic and is not expected to impact mRNA splicing.